The following is an entry in ClinVar:

NM_003051.4(SLC16A1):c.680A>G (p.His227Arg)

Gene: SLC16A1 (solute carrier family 16 member 1; minus strand). Cytogenetic location: 1p13.2.
Variant type: single nucleotide variant.
Coding change: c.680A>G on transcript NM_003051.4 (MANE Select); coding-DNA position 680, A replaced by G.
Protein change: p.His227Arg; replaces histidine 227 with arginine.
Molecular consequence: missense variant.
Genome position (GRCh38, 1-based): chr1:112,917,726, T>C on the plus strand (A>G on the coding strand, the complement: SLC16A1 is on the minus strand). VCF-style: chr1-112917726-T-C. GRCh37 (hg19) VCF-style: chr1-113460348-T-C.
Other names: c.680A>G, p.His227Arg (NM_001166496.2); short protein forms H227R.
Identifiers: ClinVar variation 874138 (VCV000874138.7), dbSNP rs549501840, ClinGen allele CA1011387.

ClinVar aggregate classification (germline): Uncertain significance. Review status: criteria provided, multiple submitters, no conflicts (2 of 4 stars). 2 submissions from 2 submitters: Uncertain significance (2). Last evaluated 2022-10-16.

Conditions:
Exercise-induced hyperinsulinism (HHF7). Identifiers: Orphanet 165991, MedGen C1864902, MONDO:0012396, OMIM 610021.

Allele frequency attached by ClinVar (database versions not stated): gnomAD exomes below 0.00001; TOPMed below 0.00001; gnomAD 0.00001; ExAC 0.00002; 1000 Genomes Project 30x 0.00016; 1000 Genomes Project 0.00020.
gnomAD v4.1: 13 of 1,614,248 alleles (0.00081%); highest among the groups gnomAD compares: Middle Eastern, 0.016%; no homozygotes.

Submissions (2):

Labcorp Genetics (formerly Invitae), Labcorp
Classification: Uncertain significance. Last evaluated: 2022-10-16. Review status: criteria provided, single submitter. Criteria: Invitae Variant Classification Sherloc (09022015). Collection method: clinical testing. Allele origin: germline.
Comment: In summary, the available evidence is currently insufficient to determine the role of this variant in disease. Therefore, it has been classified as a Variant of Uncertain Significance. Algorithms developed to predict the effect of missense changes on protein structure and function (SIFT, PolyPhen-2, Align-GVGD) all suggest that this variant is likely to be tolerated. ClinVar contains an entry for this variant (Variation ID: 874138). This variant has not been reported in the literature in individuals affected with SLC16A1-related conditions. This variant is present in population databases (rs549501840, gnomAD 0.004%). This sequence change replaces histidine, which is basic and polar, with arginine, which is basic and polar, at codon 227 of the SLC16A1 protein (p.His227Arg).

Illumina Laboratory Services, Illumina
Classification: Uncertain significance for Exercise-induced hyperinsulinism. Last evaluated: 2018-01-12. Review status: criteria provided, single submitter. Criteria: ICSL Variant Classification Criteria 13 December 2019. Collection method: clinical testing. Allele origin: germline.